The following is an entry in ClinVar:

NM_000059.4(BRCA2):c.1817C>A (p.Pro606Gln)

Gene: BRCA2 (BRCA2 DNA repair associated; plus strand). Cytogenetic location: 13q13.1.
Variant type: single nucleotide variant.
Coding change: c.1817C>A on transcript NM_000059.4 (MANE Select); coding-DNA position 1817, C replaced by A.
Protein change: p.Pro606Gln; replaces proline 606 with glutamine.
Molecular consequence: missense variant.
Genome position (GRCh38, 1-based): chr13:32,333,295, C>A. VCF-style: chr13-32333295-C-A. GRCh37 (hg19) VCF-style: chr13-32907432-C-A.
Other names: short protein forms P606Q.
Identifiers: ClinVar variation 51205 (VCV000051205.21), dbSNP rs80358469, ClinGen allele CA013431.

ClinVar aggregate classification (germline): Conflicting classifications of pathogenicity. Review status: criteria provided, conflicting classifications (1 of 4 stars). 3 submissions from 3 submitters: Uncertain significance (1); Likely benign (1). 1 of the submissions does not count toward it. Last evaluated 2024-07-01.

Conditions:
Hereditary cancer-predisposing syndrome. Also called: Hereditary Cancer Syndrome; Tumor predisposition; Neoplastic Syndromes, Hereditary; Hereditary neoplastic syndrome. Identifiers: Orphanet 140162, MedGen C0027672, MeSH D009386, MONDO:0015356.
Breast-ovarian cancer, familial, susceptibility to, 2 (BROVCA2). Also called: BRCA2 Hereditary Breast and Ovarian Cancer. Identifiers: Orphanet 145, MedGen C2675520, MONDO:0012933, OMIM 612555. Disease mechanism: loss of function.

Submissions (3):

CeGaT Center for Human Genetics Tuebingen
Classification: Uncertain significance. Last evaluated: 2024-07-01. Review status: criteria provided, single submitter. Criteria: CeGaT Center For Human Genetics Tuebingen Variant Classification Criteria Version 2. Collection method: clinical testing. Allele origin: germline. Affected: yes. Observed: 1 variant allele.
Comment: BRCA2: PM2, BP1, BP4

University of Washington Department of Laboratory Medicine, University of Washington
Classification: Likely benign for Hereditary cancer-predisposing syndrome. Last evaluated: 2023-03-23. Review status: criteria provided, single submitter. Criteria: Dines et al. (Genet Med. 2020). Collection method: curation. Allele origin: germline.
Comment: Missense variant in a coldspot region where missense variants are very unlikely to be pathogenic (PMID:31911673).

BRCA2 exon 10 coldspot. Reclassification based on statistical prior probability.

Breast Cancer Information Core (BIC) (BRCA2)
Classification: Uncertain significance for Breast-ovarian cancer, familial 2. Last evaluated: 2001-10-29. Review status: no assertion criteria provided. Collection method: clinical testing. Allele origin: germline. Affected: yes. Observed: 1 variant allele. Not counted in ClinVar's aggregate classification.